The following is an entry in ClinVar:

NM_000135.4(FANCA):c.4117A>G (p.Thr1373Ala)

Genes: FANCA (FA complementation group A; minus strand), ZNF276 (zinc finger protein 276; plus strand). Cytogenetic location: 16q24.3.
Variant type: single nucleotide variant.
Coding change: c.4117A>G on transcript NM_000135.4 (MANE Select); coding-DNA position 4117, A replaced by G.
Protein change: p.Thr1373Ala; replaces threonine 1373 with alanine.
Molecular consequence: missense variant. On other transcripts: 3 prime UTR variant (2), non-coding transcript variant (4).
Genome position (GRCh38, 1-based): chr16:89,739,183, T>C on the plus strand (A>G on the coding strand, the complement: FANCA is on the minus strand). VCF-style: chr16-89739183-T-C. GRCh37 (hg19) VCF-style: chr16-89805591-T-C.
Other names: c.4117A>G, p.Thr1373Ala (NM_001286167.3); c.*937T>C (NM_001113525.2, NM_152287.4); c.4117A>G (NM_000135.3); short protein forms T1373A.
Identifiers: ClinVar variation 429862 (VCV000429862.15), dbSNP rs753944130, ClinGen allele CA8250780.

ClinVar aggregate classification (germline): Conflicting classifications of pathogenicity. Review status: criteria provided, conflicting classifications (1 of 4 stars). 5 submissions from 5 submitters: Uncertain significance (3); Likely benign (1). 1 of the submissions does not count toward it. Last evaluated 2025-11-17.

Conditions:
Fanconi anemia (FA). Also called: Fanconi's anemia. Identifiers: Orphanet 84, MedGen C0015625, MeSH D005199, MONDO:0019391.

Allele frequency attached by ClinVar (database versions not stated): gnomAD 0.00002; gnomAD exomes 0.00004 and 0.00009; TOPMed 0.00006; ExAC 0.00009.
gnomAD v4.1: 24 of 1,614,028 alleles (0.0015%); highest among the groups gnomAD compares: Admixed American, 0.038%; no homozygotes.

Submissions (5):

Labcorp Genetics (formerly Invitae), Labcorp
Classification: Likely benign for Fanconi anemia. Last evaluated: 2025-11-17. Review status: criteria provided, single submitter. Criteria: Invitae Variant Classification Sherloc (09022015). Collection method: clinical testing. Allele origin: germline.

Quest Diagnostics Nichols Institute San Juan Capistrano
Classification: Uncertain significance. Last evaluated: 2025-06-24. Review status: criteria provided, single submitter. Criteria: Quest Diagnostics criteria. Collection method: clinical testing. Allele origin: unknown.
Comment: The FANCA c.4117A>G (p.Thr1373Ala) variant has not been reported in individuals with FANCA-related conditions in the published literature. The frequency of this variant in the general population (Genome Aggregation Database) is uninformative in the assessment of its pathogenicity. Analysis of this variant using bioinformatics tools for the prediction of the effect of amino acid changes on protein structure and function yielded conflicting predictions that this variant is benign or damaging. Based on the available information, we are unable to determine the clinical significance of this variant.

Blueprint Genetics
Classification: Uncertain significance. Last evaluated: 2021-03-17. Review status: criteria provided, single submitter. Criteria: ACMG Guidelines, 2015. Collection method: clinical testing. Allele origin: germline.

GeneDx
Classification: Uncertain significance. Last evaluated: 2017-05-15. Review status: criteria provided, single submitter. Criteria: GeneDx Variant Classification (06012015). Collection method: clinical testing. Allele origin: germline. Affected: yes.
Comment: The T1373A variant in the FANCA gene has not been reported previously as a pathogenic variant, nor as a benign variant, to our knowledge. The T1373A variant is observed in 10/11554 (0.01%) alleles from individuals of Latino background, in the ExAC dataset (Lek et al., 2016). The T1373A variant is a non-conservative amino acid substitution, which is likely to impact secondary protein structure as these residues differ in polarity, charge, size and/or other properties. This substitution occurs at a position that is not conserved, and in silico analysis is inconsistent in its predictions as to whether or not the variant is damaging to the protein structure/function. We interpret T1373A as a variant of uncertain significance.

Natera, Inc.
Classification: Uncertain significance for Fanconi anemia. Last evaluated: 2019-10-28. Review status: no assertion criteria provided. Collection method: clinical testing. Allele origin: germline. Not counted in ClinVar's aggregate classification.